The following is an entry in ClinVar:

NM_024675.4(PALB2):c.2996+9del

Gene: PALB2 (partner and localizer of BRCA2; minus strand). Cytogenetic location: 16p12.2.
Variant type: Deletion.
Coding change: c.2996+9del on transcript NM_024675.4 (MANE Select); 9 bases into the intron after coding-DNA position 2996, one base deleted (A; older notation c.2996+9delA).
Molecular consequence: intron variant.
Genome position (GRCh38, 1-based): chr16:23,622,960, T deleted on the plus strand (A on the coding strand, the reverse complement: PALB2 is on the minus strand); the first of 4 consecutive T bases (chr16:23,622,960-23,622,963); deleting any one gives the same sequence. VCF-style (leftmost placement, unchanged base first): chr16-23622959-CT-C. GRCh37 (hg19) VCF-style: chr16-23634280-CT-C.
Other names: c.2996+9delA (NM_024675.3).
Identifiers: ClinVar variation 215934 (VCV000215934.27), dbSNP rs769414858, ClinGen allele CA336919.

ClinVar aggregate classification (germline): Benign/Likely benign. Review status: criteria provided, multiple submitters, no conflicts (2 of 4 stars). 13 submissions from 13 submitters: Benign (4); Likely benign (6). 3 of the submissions do not count toward it. Last evaluated 2026-04-07.

Conditions:
PALB2-related disorder. Also called: PALB2-related condition; PALB2-related disorders.
Breast-ovarian cancer, familial, susceptibility to, 5 (BROVCA5). Identifiers: MedGen C5830615, MONDO:0957530, OMIM 620442.
Hereditary cancer-predisposing syndrome. Also called: Hereditary neoplastic syndrome; Neoplastic Syndromes, Hereditary; Hereditary Cancer Syndrome; Tumor predisposition. Identifiers: Orphanet 140162, MedGen C0027672, MeSH D009386, MONDO:0015356.
Familial cancer of breast. Also called: Hereditary breast cancer; BREAST CANCER, FAMILIAL; hereditary breast carcinoma. Identifiers: Orphanet 227535, MedGen C0346153, MONDO:0016419, OMIM 114480. Disease mechanism: loss of function.
Malignant tumor of breast. Also called: Cancer breast; Malignant breast neoplasm. Identifiers: MedGen C0006142, MONDO:0007254. Disease mechanism: loss of function.

Submissions (13):

Dasa
Classification: Likely benign for Breast-ovarian cancer, familial, susceptibility to, 5. Last evaluated: 2026-04-07. Review status: criteria provided, single submitter. Criteria: DASA Assertion Criteria. Collection method: clinical testing. Allele origin: germline.
Comment: NM_024675.4(PALB2):c.2996+9del is a splice-region variant predicted to affect normal RNA splicing. Multiple computational predictions suggest no deleterious effect on the gene or gene product. The variant is present at low frequency in population datasets. Based on the available data, this variant is classified as likely benign.

Labcorp Genetics (formerly Invitae), Labcorp
Classification: Benign for Familial cancer of breast. Last evaluated: 2026-02-03. Review status: criteria provided, single submitter. Criteria: Invitae Variant Classification Sherloc (09022015). Collection method: clinical testing. Allele origin: germline.

Quest Diagnostics Nichols Institute San Juan Capistrano
Classification: Likely benign. Last evaluated: 2025-04-28. Review status: criteria provided, single submitter. Criteria: Quest Diagnostics criteria. Collection method: clinical testing. Allele origin: unknown.

Myriad Genetics, Inc.
Classification: Benign for Familial cancer of breast. Last evaluated: 2023-03-30. Review status: criteria provided, single submitter. Criteria: Myriad Autosomal Dominant, Autosomal Recessive and X-Linked Classification Criteria (2023). Collection method: clinical testing. Allele origin: unknown.
Comment: This variant is considered benign. This variant is intronic and is not expected to impact mRNA splicing. This variant is strongly associated with less severe personal and family histories of cancer, typical for individuals without pathogenic variants in this gene [PMID: 25085752].

Sema4
Classification: Likely benign for Hereditary cancer-predisposing syndrome. Last evaluated: 2020-12-15. Review status: criteria provided, single submitter. Criteria: Sema4 Curation Guidelines. Collection method: curation. Allele origin: germline.

Mendelics
Classification: Likely benign for Familial cancer of breast. Last evaluated: 2019-05-28. Review status: criteria provided, single submitter. Criteria: Mendelics Assertion Criteria 2017. Collection method: clinical testing. Allele origin: unknown.

Women's Health and Genetics/Laboratory Corporation of America, LabCorp
Classification: Benign. Last evaluated: 2019-04-04. Review status: criteria provided, single submitter. Criteria: LabCorp Variant Classification Summary - May 2015. Collection method: clinical testing. Allele origin: germline.
Comment: Variant summary: PALB2 c.2996+9delA alters a non-conserved nucleotide located close to a canonical splice site and therefore could affect mRNA splicing, leading to a significantly altered protein sequence. 4/4 computational tools predict no significant impact on normal splicing. However, these predictions have yet to be confirmed by functional studies. The variant allele was found at a frequency of 5.4e-05 in 277172 control chromosomes, predominantly at a frequency of 0.00058 within the African subpopulation in the gnomAD database. The observed variant frequency within African control individuals in the gnomAD database is approximately 3.7 fold of the estimated maximal expected allele frequency for a pathogenic variant in PALB2 causing Hereditary Breast and Ovarian Cancer phenotype (0.00016), strongly suggesting that the variant is a benign polymorphism found primarily in populations of African origin. To our knowledge, no occurrence of c.2996+9delA in individuals affected with Hereditary Breast and Ovarian Cancer and no experimental evidence demonstrating its impact on protein function have been reported. Five clinical diagnostic laboratories have submitted clinical-significance assessments for this variant to ClinVar after 2014 without evidence for independent evaluation. Four classified the variant as Benign/Likely benign while one classified the variant as Uncertain significance. Based on the evidence outlined above, the variant was classified as benign.

Color Diagnostics, LLC DBA Color Health
Classification: Likely benign for Hereditary cancer-predisposing syndrome. Last evaluated: 2016-06-22. Review status: criteria provided, single submitter. Criteria: ACMG Guidelines, 2015. Collection method: clinical testing. Allele origin: germline.

Ambry Genetics
Classification: Likely benign for Hereditary cancer-predisposing syndrome. Last evaluated: 2015-08-26. Review status: criteria provided, single submitter. Criteria: Ambry Variant Classification Scheme 2023. Collection method: clinical testing. Allele origin: germline.

GeneDx
Classification: Benign. Last evaluated: 2015-04-30. Review status: criteria provided, single submitter. Criteria: GeneDx Variant Classification (06012015). Collection method: clinical testing. Allele origin: germline. Affected: yes.
Comment: This variant is considered likely benign or benign based on one or more of the following criteria: it is a conservative change, it occurs at a poorly conserved position in the protein, it is predicted to be benign by multiple in silico algorithms, and/or has population frequency not consistent with disease.

PreventionGenetics, part of Exact Sciences
Classification: Likely benign for PALB2-related condition. Last evaluated: 2024-06-12. Review status: no assertion criteria provided. Collection method: clinical testing. Allele origin: germline. Not counted in ClinVar's aggregate classification.
Comment: This variant is classified as likely benign based on ACMG/AMP sequence variant interpretation guidelines (Richards et al. 2015 PMID: 25741868, with internal and published modifications).

Counsyl
Classification: Uncertain significance for Familial cancer of breast. Last evaluated: 2016-03-08. Review status: no assertion criteria provided. Collection method: clinical testing. Allele origin: unknown. Not counted in ClinVar's aggregate classification.

Department of Pathology and Laboratory Medicine, Sinai Health System
Classification: Likely benign for Malignant tumor of breast. Review status: no assertion criteria provided. Collection method: clinical testing. Allele origin: unknown. Affected: yes. Study: The Canadian Open Genetics Repository (COGR). Not counted in ClinVar's aggregate classification.
Comment: The PALB2 c.2996+9del variant was not identified in the literature nor was it identified in the LOVD 3.0 database. The variant was identified in dbSNP (ID: rs769414858) as "With other allele" and in ClinVar (classified as benign by Invitae and GeneDx; as likely benign by two submitters; and as uncertain significance by Myriad Women's Health and one other submitter). The variant was not identified in the Genome Aggregation Database (Feb 27, 2017). The variant occurs outside of the splicing consensus sequence and in silico or computational prediction software programs (SpliceSiteFinder, MaxEntScan, NNSPLICE, GeneSplicer) do not predict a difference in splicing. In summary, based on the above information, the clinical significance of this variant cannot be determined with certainty at this time although we would lean towards a more benign role for this variant. This variant is classified as likely benign.

Literature cited by the submitters: PubMed 25085752 (cited by Myriad Genetics, Inc.).